The following is an entry in ClinVar:

ClinVar aggregate classification (germline): Conflicting classifications of pathogenicity. Review status: criteria provided, conflicting classifications (1 of 4 stars). 4 submissions from 4 submitters: Uncertain significance (3); Likely benign (1). Last evaluated 2023-04-20.

Conditions:
Cardiovascular phenotype. Identifiers: MedGen CN230736.
Dilated cardiomyopathy 1G (CMD1G). Identifiers: Orphanet 154, MedGen C1858763, MONDO:0011400, OMIM 604145.
Autosomal recessive limb-girdle muscular dystrophy type 2J (LGMDR10). Also called: MUSCULAR DYSTROPHY, LIMB-GIRDLE, AUTOSOMAL RECESSIVE 10; Limb-girdle muscular dystrophy, type 2J. Identifiers: Orphanet 140922, MedGen C1837342, MONDO:0012127, OMIM 608807.

Allele frequency attached by ClinVar (database versions not stated): gnomAD 0.00001; TOPMed 0.00006.
gnomAD v4.1: 73 of 1,613,278 alleles (0.0045%); highest among the groups gnomAD compares: Middle Eastern, 0.016%; no homozygotes.

Submissions (4):

Revvity Omics, Revvity
Classification: Uncertain significance. Last evaluated: 2023-04-20. Review status: criteria provided, single submitter. Criteria: ACMG Guidelines, 2015. Collection method: clinical testing. Allele origin: germline.

Ambry Genetics
Classification: Uncertain significance for Cardiovascular phenotype. Last evaluated: 2020-09-08. Review status: criteria provided, single submitter. Criteria: Ambry Variant Classification Scheme 2023. Collection method: clinical testing. Allele origin: germline.
Comment: The p.Y21335F variant (also known as c.64004A>T), located in coding exon 162 of the TTN gene, results from an A to T substitution at nucleotide position 64004. The tyrosine at codon 21335 is replaced by phenylalanine, an amino acid with highly similar properties. This amino acid position is not well conserved in available vertebrate species, and phenylalanine is the reference amino acid in other vertebrate species. In addition, this alteration is predicted to be tolerated by in silico analysis. Since supporting evidence is limited at this time, the clinical significance of this alteration remains unclear.

GeneDx
Classification: Likely benign. Last evaluated: 2020-06-24. Review status: criteria provided, single submitter. Criteria: GeneDx Variant Classification Process June 2021. Collection method: clinical testing. Allele origin: germline. Affected: yes.

Labcorp Genetics (formerly Invitae), Labcorp
Classification: Uncertain significance for Dilated cardiomyopathy 1G; Autosomal recessive limb-girdle muscular dystrophy type 2J. Last evaluated: 2017-05-26. Review status: criteria provided, single submitter. Criteria: Invitae Variant Classification Sherloc (09022015). Collection method: clinical testing. Allele origin: germline.

NM_001267550.2(TTN):c.91199A>T (p.Tyr30400Phe)

Genes: TTN (titin; minus strand), TTN-AS1 (TTN antisense RNA 1; plus strand). Cytogenetic location: 2q31.2.
Variant type: single nucleotide variant.
Coding change: c.91199A>T on transcript NM_001267550.2 (MANE Select); coding-DNA position 91199, A replaced by T.
Protein change: p.Tyr30400Phe; replaces tyrosine 30400 with phenylalanine.
Molecular consequence: missense variant.
Genome position (GRCh38, 1-based): chr2:178,551,701, T>A on the plus strand (A>T on the coding strand, the complement: TTN is on the minus strand). VCF-style: chr2-178551701-T-A. GRCh37 (hg19) VCF-style: chr2-179416428-T-A.
Other names: p.Y28759F:TAT>TTT; c.86276A>T, p.Tyr28759Phe (NM_001256850.1); c.64004A>T, p.Tyr21335Phe (NM_003319.4); c.83495A>T, p.Tyr27832Phe (NM_133378.4); c.64379A>T, p.Tyr21460Phe (NM_133432.3); c.64580A>T, p.Tyr21527Phe (NM_133437.4); short protein forms Y28759F, Y30400F, Y21460F, Y21527F, Y27832F, Y21335F.
Identifiers: ClinVar variation 202976 (VCV000202976.11), dbSNP rs376494747, ClinGen allele CA310866.